The following is an entry in ClinVar:

ClinVar aggregate classification (germline): Likely pathogenic (1 of 4 stars; one submission).

Conditions:
Autosomal recessive limb-girdle muscular dystrophy type 2J (LGMDR10). Also called: Limb-girdle muscular dystrophy, type 2J; MUSCULAR DYSTROPHY, LIMB-GIRDLE, AUTOSOMAL RECESSIVE 10. Identifiers: Orphanet 140922, MedGen C1837342, MONDO:0012127, OMIM 608807.
Dilated cardiomyopathy 1G (CMD1G). Identifiers: Orphanet 154, MedGen C1858763, MONDO:0011400, OMIM 604145.

gnomAD v4.1: 2 of 1,613,258 alleles (0.00012%); highest among the groups gnomAD compares: African/African-American, 0.0013%; no homozygotes.

Submission:

Labcorp Genetics (formerly Invitae), Labcorp
Classification: Likely pathogenic for Dilated cardiomyopathy 1G; Autosomal recessive limb-girdle muscular dystrophy type 2J. Last evaluated: 2024-12-13. Review status: criteria provided, single submitter. Criteria: Invitae Variant Classification Sherloc (09022015). Collection method: clinical testing. Allele origin: germline.
Comment: This sequence change affects an acceptor splice site in intron 169 of the TTN gene. It is expected to disrupt RNA splicing and likely results in a truncated or disrupted TTN protein. This variant is present in population databases (rs577672565, gnomAD 0.003%). This variant has not been reported in the literature in individuals affected with TTN-related conditions. Algorithms developed to predict the effect of sequence changes on RNA splicing suggest that this variant may disrupt the consensus splice site. This variant is located in the I band of TTN (PMID: 25589632). Truncating variants in this region have been reported in individuals affected with autosomal recessive centronuclear myopathy (PMID: 23975875, internal data). Truncating variants in this region have also been identified in individuals affected with autosomal dominant dilated cardiomyopathy and/or cardio-related conditions (PMID: 27869827, 32964742, internal data). In summary, the currently available evidence indicates that the variant is pathogenic, but additional data are needed to prove that conclusively. Therefore, this variant has been classified as Likely Pathogenic.

Literature cited by the submitters: PubMed 25589632; PubMed 23975875; PubMed 27869827; PubMed 32964742.

NM_001267550.2(TTN):c.36365-1G>C

Gene: TTN (titin; minus strand). Cytogenetic location: 2q31.2.
Variant type: single nucleotide variant.
Coding change: c.36365-1G>C on transcript NM_001267550.2 (MANE Select); the canonical splice acceptor site of the intron before coding-DNA position 36365, G replaced by C.
Molecular consequence: splice acceptor variant. On other transcripts: intron variant (5).
Genome position (GRCh38, 1-based): chr2:178,663,903, C>G on the plus strand (G>C on the coding strand, the complement: TTN is on the minus strand). VCF-style: chr2-178663903-C-G. GRCh37 (hg19) VCF-style: chr2-179528630-C-G.
Other names: c.13283-21586G>C (NM_003319.4); c.13859-21586G>C (NM_133437.4); c.13658-21586G>C (NM_133432.3); c.31484-848G>C (NM_133378.4); c.34265-848G>C (NM_001256850.1).
Identifiers: ClinVar variation 3762863 (VCV003762863.2).
Genomic context (GRCh38, chr2:178,663,903, plus strand): 5'-CTTTAGGAGGAGCCAAGGGCACTTTCTCTTCGCGGATAACCTCTTTGGAAGCTTCTGGCA[C>G]TTGAAAGATATTAGTGAAATTACATTTAGGTGTTATGAAGACCGCTAGAAAAAAATATTG-3'